The following is an entry in ClinVar:

NM_000256.3(MYBPC3):c.400C>T (p.Pro134Ser)

Gene: MYBPC3 (myosin binding protein C3; minus strand). Cytogenetic location: 11p11.2.
Variant type: single nucleotide variant.
Coding change: c.400C>T on transcript NM_000256.3 (MANE Select); coding-DNA position 400, C replaced by T.
Protein change: p.Pro134Ser; replaces proline 134 with serine.
Molecular consequence: missense variant.
Genome position (GRCh38, 1-based): chr11:47,350,508, G>A on the plus strand (C>T on the coding strand, the complement: MYBPC3 is on the minus strand). VCF-style: chr11-47350508-G-A. GRCh37 (hg19) VCF-style: chr11-47372059-G-A.
Other names: short protein forms P134S.
Identifiers: ClinVar variation 1391260 (VCV001391260.5), dbSNP rs1233789701, ClinGen allele CA380340293.
Genomic context (GRCh38, chr11:47,350,508, plus strand): 5'-CCCTGGACACGCCCTACCCACGGATCCTGCCCCTCCCTGCCCAGCCCCTCTCACCTTTGG[G>A]ACTTGGGGCACTTTCTCCCAGCTCAGCGGCTGGGGCCGGGGCTTCTCCAGGGGCTCCAGT-3'
Protein context (NP_000247.2, residues 124-144): AAELGESAPS[Pro134Ser]KGSSSAALNG

ClinVar aggregate classification (germline): Conflicting classifications of pathogenicity. Review status: criteria provided, conflicting classifications (1 of 4 stars). 2 submissions from 2 submitters: Uncertain significance (1); Likely benign (1). Last evaluated 2026-08-06.

Conditions:
Cardiovascular phenotype. Identifiers: MedGen CN230736.
Hypertrophic cardiomyopathy. Also called: HYPERTROPHIC MYOCARDIOPATHY. Identifiers: Orphanet 217569, MedGen C0007194, MeSH D002312, MONDO:0005045, HP:0001639.

Allele frequency attached by ClinVar (database versions not stated): gnomAD 0.00001; gnomAD exomes 0.00001; TOPMed 0.00001.

Submissions (2):

Ambry Genetics
Classification: Likely benign for Cardiovascular phenotype. Last evaluated: 2026-08-06. Review status: criteria provided, single submitter. Criteria: Ambry Variant Classification Scheme 2023. Collection method: clinical testing. Allele origin: germline.

Labcorp Genetics (formerly Invitae), Labcorp
Classification: Uncertain significance for Hypertrophic cardiomyopathy. Last evaluated: 2021-10-04. Review status: criteria provided, single submitter. Criteria: Invitae Variant Classification Sherloc (09022015). Collection method: clinical testing. Allele origin: germline.
Comment: This sequence change replaces proline with serine at codon 134 of the MYBPC3 protein (p.Pro134Ser). The proline residue is highly conserved and there is a moderate physicochemical difference between proline and serine. This variant is not present in population databases (ExAC no frequency). This variant has not been reported in the literature in individuals with MYBPC3-related conditions. Algorithms developed to predict the effect of missense changes on protein structure and function output the following: SIFT: "Tolerated"; PolyPhen-2: "Benign"; Align-GVGD: "Class C0". The serine amino acid residue is found in multiple mammalian species, suggesting that this missense change does not adversely affect protein function. These predictions have not been confirmed by published functional studies and their clinical significance is uncertain. In summary, the available evidence is currently insufficient to determine the role of this variant in disease. Therefore, it has been classified as a Variant of Uncertain Significance.